The following is an entry in ClinVar:

ClinVar aggregate classification (germline): Likely benign. Review status: criteria provided, multiple submitters, no conflicts (2 of 4 stars). 3 submissions from 3 submitters: Likely benign (3). Last evaluated 2025-08-29.

Conditions:
RYR1-related disorder. Also called: RYR1-related disorders; RYR1-related condition. Identifiers: MedGen CN239331.
Malignant hyperthermia, susceptibility to, 1 (MHS1). Also called: Malignant hyperthermia suceptibility 1; RYR1-Related Malignant Hyperthermia Susceptibility; Anesthesia related hyperthermia; Malignant hyperpyrexia; Fulminating hyperpyrexia; Pharmacogenic myopathy. Identifiers: Orphanet 423, MedGen C2930980, MONDO:0007783, OMIM 145600.

Allele frequency attached by ClinVar (database versions not stated): gnomAD exomes 0.00001; TOPMed 0.00001.
gnomAD v4.1: 7 of 1,613,986 alleles (0.00043%); highest among the groups gnomAD compares: Non-Finnish European, 0.00059%; no homozygotes.

Submissions (3):

Labcorp Genetics (formerly Invitae), Labcorp
Classification: Likely benign for RYR1-related disorder. Last evaluated: 2025-08-29. Review status: criteria provided, single submitter. Criteria: Invitae Variant Classification Sherloc (09022015). Collection method: clinical testing. Allele origin: germline.

Blueprint Genetics
Classification: Likely benign. Last evaluated: 2024-05-06. Review status: criteria provided, single submitter. Criteria: ACMG Guidelines, 2015. Collection method: clinical testing. Allele origin: germline.

All of Us Research Program, National Institutes of Health
Classification: Likely benign for Malignant hyperthermia, susceptibility to, 1. Last evaluated: 2024-01-11. Review status: criteria provided, single submitter. Criteria: ACMG Guidelines, 2015. Collection method: clinical testing. Allele origin: germline. Inheritance: Autosomal dominant inheritance. Observed: 4 variant alleles, 4 heterozygotes.
Comment: This study involves interpretation of variants in research participants for the purpose of population health screening. Participant phenotype was not available at the time of variant classification. Additional details can be found in publication PMID: 35346344, PMCID: PMC8962531

NM_000540.3(RYR1):c.7215-11C>T

Gene: RYR1 (ryanodine receptor 1; plus strand). Cytogenetic location: 19q13.2.
Variant type: single nucleotide variant.
Coding change: c.7215-11C>T on transcript NM_000540.3 (MANE Select); 11 bases into the intron before coding-DNA position 7215, C replaced by T.
Molecular consequence: intron variant.
Genome position (GRCh38, 1-based): chr19:38,499,897, C>T. VCF-style: chr19-38499897-C-T. GRCh37 (hg19) VCF-style: chr19-38990537-C-T.
Other names: c.7215-11C>T (NM_001042723.2).
Identifiers: ClinVar variation 2079922 (VCV002079922.6), dbSNP rs1970027988, ClinGen allele CA082378.